The following is an entry in ClinVar:

ClinVar aggregate classification (germline): Uncertain significance (1 of 4 stars; one submission).

Conditions:
Hereditary sensory and autonomic neuropathy type 7. Also called: Neuropathy, hereditary sensory and autonomic, type VII; HSAN VII. Identifiers: Orphanet 391397, MedGen C3809882, MONDO:0014244, OMIM 615548.
Familial episodic pain syndrome with predominantly lower limb involvement. Also called: Episodic pain syndrome, familial, 3. Identifiers: Orphanet 391384, Orphanet 391392, MedGen C3809899, MONDO:0014247, OMIM 615552.

Allele frequency attached by ClinVar (database versions not stated): gnomAD exomes below 0.00001; gnomAD 0.00001.
gnomAD v4.1: 4 of 1,613,090 alleles (0.00025%); highest among the groups gnomAD compares: Admixed American, 0.0033%; no homozygotes.

Submission:

Labcorp Genetics (formerly Invitae), Labcorp
Classification: Uncertain significance for Familial episodic pain syndrome with predominantly lower limb involvement; Hereditary sensory and autonomic neuropathy type 7. Last evaluated: 2023-11-04. Review status: criteria provided, single submitter. Criteria: Invitae Variant Classification Sherloc (09022015). Collection method: clinical testing. Allele origin: germline.
Comment: This sequence change replaces lysine, which is basic and polar, with glutamic acid, which is acidic and polar, at codon 1237 of the SCN11A protein (p.Lys1237Glu). This variant is present in population databases (no rsID available, gnomAD 0.003%). This variant has not been reported in the literature in individuals affected with SCN11A-related conditions. Advanced modeling of protein sequence and biophysical properties (such as structural, functional, and spatial information, amino acid conservation, physicochemical variation, residue mobility, and thermodynamic stability) performed at Invitae indicates that this missense variant is not expected to disrupt SCN11A protein function with a negative predictive value of 80%. In summary, the available evidence is currently insufficient to determine the role of this variant in disease. Therefore, it has been classified as a Variant of Uncertain Significance.

NM_001349253.2(SCN11A):c.3709A>G (p.Lys1237Glu)

Genes: SCN11A (sodium voltage-gated channel alpha subunit 11; minus strand), LOC126806652 (CDK7 strongly-dependent group 2 enhancer GRCh37_chr3:38912374-38913573; plus strand). Cytogenetic location: 3p22.2.
Variant type: single nucleotide variant.
Coding change: c.3709A>G on transcript NM_001349253.2 (MANE Select); coding-DNA position 3709, A replaced by G.
Protein change: p.Lys1237Glu; replaces lysine 1237 with glutamic acid.
Molecular consequence: missense variant.
Genome position (GRCh38, 1-based): chr3:38,871,495, T>C on the plus strand (A>G on the coding strand, the complement: SCN11A is on the minus strand). VCF-style: chr3-38871495-T-C. GRCh37 (hg19) VCF-style: chr3-38912986-T-C.
Other names: c.3709A>G, p.Lys1237Glu (NM_014139.3); short protein forms K1237E.
Identifiers: ClinVar variation 2923561 (VCV002923561.3), dbSNP rs1028257201, ClinGen allele CA72979615.